The following is an entry in ClinVar:

ClinVar aggregate classification (germline): Uncertain significance (1 of 4 stars; one submission).

Submission:

Labcorp Genetics (formerly Invitae), Labcorp
Classification: Uncertain significance. Last evaluated: 2024-01-09. Review status: criteria provided, single submitter. Criteria: Invitae Variant Classification Sherloc (09022015). Collection method: clinical testing. Allele origin: germline.
Comment: This sequence change creates a premature translational stop signal (p.Asp644Argfs*250) in the BCL11B gene. While this is not anticipated to result in nonsense mediated decay, it is expected to disrupt the last 251 amino acid(s) of the BCL11B protein. The frequency data for this variant in the population databases is considered unreliable, as metrics indicate insufficient coverage at this position in the gnomAD database. This variant has not been reported in the literature in individuals affected with BCL11B-related conditions. Experimental studies and prediction algorithms are not available or were not evaluated, and the functional significance of this variant is currently unknown. In summary, the available evidence is currently insufficient to determine the role of this variant in disease. Therefore, it has been classified as a Variant of Uncertain Significance.

NM_138576.4(BCL11B):c.1902_1929dup (p.Asp644fs)

Gene: BCL11B (BCL11 transcription factor B; minus strand). Cytogenetic location: 14q32.2.
Variant type: Duplication.
Coding change: c.1902_1929dup on transcript NM_138576.4 (MANE Select); coding-DNA positions 1902 to 1929, 28 bases duplicated (CGACGACGACGACGCGGGCGGCTGCGGG).
Protein change: p.Asp644fs; shifts the reading frame from aspartic acid 644.
Molecular consequence: frameshift variant.
Genome position (GRCh38, 1-based): chr14:99,174,907-99,174,934, CCCGCAGCCGCCCGCGTCGTCGTCGTCG duplicated on the plus strand (CGACGACGACGACGCGGGCGGCTGCGGG on the coding strand, the reverse complement: BCL11B is on the minus strand); duplicating any 28 consecutive bases within chr14:99,174,907-99,174,939 gives the same sequence; the c. name uses the placement nearest the transcript's 3' end. VCF-style (leftmost placement, unchanged base first): chr14-99174906-C-CCCCGCAGCCGCCCGCGTCGTCGTCGTCG. GRCh37 (hg19) VCF-style: chr14-99641243-C-CCCCGCAGCCGCCCGCGTCGTCGTCGTCG.
Other names: c.1899_1926dup, p.Asp643fs (NM_001282237.2); c.1686_1713dup, p.Asp572fs (NM_001282238.2); c.1689_1716dup, p.Asp573fs (NM_022898.3); short protein forms D572fs, D644fs, D573fs, D643fs.
Identifiers: ClinVar variation 2708579 (VCV002708579.3), dbSNP rs2503640836, ClinGen allele CA2697554144.